The following is an entry in ClinVar:

ClinVar aggregate classification (germline): Uncertain significance (1 of 4 stars; one submission).

Conditions:
Alpha thalassemia-X-linked intellectual disability syndrome (ATRX). Also called: ALPHA-THALASSEMIA/MENTAL RETARDATION SYNDROME, X-LINKED; ATR, NONDELETION TYPE; ATR-X syndrome; Alpha thalassemia mental retardation syndrome, nondeletion type, X-linked; XLMR hypotonic face syndrome; X-linked alpha-thalassemia-mental retardation syndrome. Identifiers: Orphanet 847, MedGen C1845055, MONDO:0010519, OMIM 301040.

Submission:

Labcorp Genetics (formerly Invitae), Labcorp
Classification: Uncertain significance for Alpha thalassemia-X-linked intellectual disability syndrome. Last evaluated: 2023-04-06. Review status: criteria provided, single submitter. Criteria: Invitae Variant Classification Sherloc (09022015). Collection method: clinical testing. Allele origin: germline.
Comment: Advanced modeling of protein sequence and biophysical properties (such as structural, functional, and spatial information, amino acid conservation, physicochemical variation, residue mobility, and thermodynamic stability) has been performed at Invitae for this missense variant, however the output from this modeling did not meet the statistical confidence thresholds required to predict the impact of this variant on ATRX protein function. This sequence change replaces leucine, which is neutral and non-polar, with valine, which is neutral and non-polar, at codon 1689 of the ATRX protein (p.Leu1689Val). This variant is not present in population databases (gnomAD no frequency). This variant has not been reported in the literature in individuals affected with ATRX-related conditions. In summary, the available evidence is currently insufficient to determine the role of this variant in disease. Therefore, it has been classified as a Variant of Uncertain Significance.

NM_000489.6(ATRX):c.5065C>G (p.Leu1689Val)

Gene: ATRX (ATRX chromatin remodeler; minus strand). Cytogenetic location: Xq21.1.
Variant type: single nucleotide variant.
Coding change: c.5065C>G on transcript NM_000489.6 (MANE Select); coding-DNA position 5065, C replaced by G.
Protein change: p.Leu1689Val; replaces leucine 1689 with valine.
Molecular consequence: missense variant.
Genome position (GRCh38, 1-based): chrX:77,633,276, G>C on the plus strand (C>G on the coding strand, the complement: ATRX is on the minus strand). VCF-style: chrX-77633276-G-C. GRCh37 (hg19) VCF-style: chrX-76888764-G-C.
Other names: c.4951C>G, p.Leu1651Val (NM_138270.5); short protein forms L1651V, L1689V.
Identifiers: ClinVar variation 2852917 (VCV002852917.3), dbSNP rs2522369535, ClinGen allele CA413703323.
Genomic context (GRCh38, chrX:77,633,276, plus strand): 5'-CCAAAGCTTTGTTAAATATTTCTTTAAGTTTCCGACTCTTCACATTCCTTCCTTGAGCAA[G>C]ATTTCTATACATCTCATAGCCTATGATCATAACACCACCATCTTCTTGCCACCTCTGCAG-3'
Protein context (NP_000480.3, residues 1679-1699): MIIGYEMYRN[Leu1689Val]AQGRNVKSRK